The following is an entry in ClinVar:

ClinVar aggregate classification (germline): Uncertain significance (1 of 4 stars; one submission).

Submission:

Labcorp Genetics (formerly Invitae), Labcorp
Classification: Uncertain significance. Last evaluated: 2024-05-18. Review status: criteria provided, single submitter. Criteria: Invitae Variant Classification Sherloc (09022015). Collection method: clinical testing. Allele origin: germline.
Comment: This sequence change replaces cysteine, which is neutral and slightly polar, with arginine, which is basic and polar, at codon 622 of the FGD1 protein (p.Cys622Arg). This variant is not present in population databases (gnomAD no frequency). This variant has not been reported in the literature in individuals affected with FGD1-related conditions. ClinVar contains an entry for this variant (Variation ID: 2090849). Advanced modeling of protein sequence and biophysical properties (such as structural, functional, and spatial information, amino acid conservation, physicochemical variation, residue mobility, and thermodynamic stability) performed at Invitae indicates that this missense variant is expected to disrupt FGD1 protein function with a positive predictive value of 80%. In summary, the available evidence is currently insufficient to determine the role of this variant in disease. Therefore, it has been classified as a Variant of Uncertain Significance.

NM_004463.3(FGD1):c.1864T>C (p.Cys622Arg)

Gene: FGD1 (FYVE, RhoGEF and PH domain containing 1; minus strand). Cytogenetic location: Xp11.22.
Variant type: single nucleotide variant.
Coding change: c.1864T>C on transcript NM_004463.3 (MANE Select); coding-DNA position 1864, T replaced by C.
Protein change: p.Cys622Arg; replaces cysteine 622 with arginine.
Molecular consequence: missense variant.
Genome position (GRCh38, 1-based): chrX:54,455,763, A>G on the plus strand (T>C on the coding strand, the complement: FGD1 is on the minus strand). VCF-style: chrX-54455763-A-G. GRCh37 (hg19) VCF-style: chrX-54482196-A-G.
Other names: short protein forms C622R.
Identifiers: ClinVar variation 2090849 (VCV002090849.4), dbSNP rs2522699370, ClinGen allele CA413360051.